The following is an entry in ClinVar:

NM_000143.4(FH):c.132+5G>T

Gene: FH (fumarate hydratase; minus strand). Cytogenetic location: 1q43.
Variant type: single nucleotide variant.
Coding change: c.132+5G>T on transcript NM_000143.4 (MANE Select); 5 bases into the intron after coding-DNA position 132, G replaced by T.
Molecular consequence: intron variant.
Genome position (GRCh38, 1-based): chr1:241,519,586, C>A on the plus strand (G>T on the coding strand, the complement: FH is on the minus strand). VCF-style: chr1-241519586-C-A. GRCh37 (hg19) VCF-style: chr1-241682886-C-A.
Identifiers: ClinVar variation 393556 (VCV000393556.1), dbSNP rs1060499627, ClinGen allele CA16609381.

ClinVar aggregate classification (germline): Uncertain significance (1 of 4 stars; one submission).

Conditions:
Hereditary leiomyomatosis and renal cell cancer. Also called: LEIOMYOMA, MULTIPLE CUTANEOUS; MULTIPLE CUTANEOUS AND UTERINE LEIOMYOMATA 1, WITH OR WITHOUT RENAL CELL CARCINOMA; Reed syndrome; Multiple cutaneous and uterine leiomyomatosis; Cutaneous leiomyomata with uterine leiomyomata; Leiomyoma, hereditary multiple, of skin. Identifiers: Orphanet 523, MedGen C1708350, MONDO:0007888, OMIM 150800, HP:0007437. Disease mechanism: loss of function.

Submission:

Genomic Diagnostic Laboratory, Division of Genomic Diagnostics, Children's Hospital of Philadelphia
Classification: Uncertain significance for Hereditary leiomyomatosis and renal cell cancer. Last evaluated: 2017-01-17. Review status: criteria provided, single submitter. Criteria: DGD Variant Analysis Guidelines. Collection method: clinical testing. Allele origin: germline. Affected: yes. Observed: 1 variant allele.
Comment: Clinical Testing